The following is an entry in ClinVar:

ClinVar aggregate classification (germline): Pathogenic (1 of 4 stars; one submission).

Conditions:
Charcot-Marie-Tooth disease axonal type 2S. Also called: CHARCOT-MARIE-TOOTH NEUROPATHY, TYPE 2S; CHARCOT-MARIE-TOOTH DISEASE, AXONAL, AUTOSOMAL RECESSIVE, TYPE 2S. Identifiers: Orphanet 443073, MedGen C4015349, MONDO:0014511, OMIM 616155.
Autosomal recessive distal spinal muscular atrophy 1. Also called: HMN VI; NEURONOPATHY, SEVERE INFANTILE AXONAL, WITH RESPIRATORY FAILURE; NEURONOPATHY, DISTAL HEREDITARY MOTOR, HARDING TYPE VI; NEUROPATHY, DISTAL HEREDITARY MOTOR, AUTOSOMAL RECESSIVE 1; SEVERE INFANTILE AXONAL NEUROPATHY WITH RESPIRATORY FAILURE; SPINAL MUSCULAR ATROPHY, DIAPHRAGMATIC. Identifiers: Orphanet 98920, MedGen C1858517, MONDO:0011436, OMIM 604320.

Allele frequency attached by ClinVar (database versions not stated): gnomAD exomes 0.00001.
gnomAD v4.1: 5 of 1,602,726 alleles (0.00031%); highest among the groups gnomAD compares: Non-Finnish European, 0.00042%; no homozygotes.

Submission:

Labcorp Genetics (formerly Invitae), Labcorp
Classification: Pathogenic for Autosomal recessive distal spinal muscular atrophy 1; Charcot-Marie-Tooth disease axonal type 2S. Last evaluated: 2024-05-14. Review status: criteria provided, single submitter. Criteria: Invitae Variant Classification Sherloc (09022015). Collection method: clinical testing. Allele origin: germline.
Comment: This sequence change creates a premature translational stop signal (p.Gln859*) in the IGHMBP2 gene. It is expected to result in an absent or disrupted protein product. Loss-of-function variants in IGHMBP2 are known to be pathogenic (PMID: 14681881, 25439726, 25568292). The frequency data for this variant in the population databases is considered unreliable, as metrics indicate poor data quality at this position in the gnomAD database. This variant has not been reported in the literature in individuals affected with IGHMBP2-related conditions. ClinVar contains an entry for this variant (Variation ID: 566209). For these reasons, this variant has been classified as Pathogenic.

Literature cited by the submitters: PubMed 14681881; PubMed 25439726; PubMed 25568292.

NM_002180.3(IGHMBP2):c.2575C>T (p.Gln859Ter)

Gene: IGHMBP2 (immunoglobulin mu DNA binding protein 2; plus strand). Cytogenetic location: 11q13.3.
Variant type: single nucleotide variant.
Coding change: c.2575C>T on transcript NM_002180.3 (MANE Select); coding-DNA position 2575, C replaced by T.
Protein change: p.Gln859Ter; replaces glutamine 859 with a stop codon.
Molecular consequence: nonsense.
Genome position (GRCh38, 1-based): chr11:68,937,055, C>T. VCF-style: chr11-68937055-C-T. GRCh37 (hg19) VCF-style: chr11-68704523-C-T.
Other names: short protein forms Q859*.
Identifiers: ClinVar variation 566209 (VCV000566209.7), dbSNP rs1373247548, ClinGen allele CA381654038.